The following is an entry in ClinVar:

ClinVar aggregate classification (germline): Uncertain significance (1 of 4 stars; one submission).

Conditions:
Inborn genetic diseases. Identifiers: MedGen C0950123, MeSH D030342.

Submission:

Ambry Genetics
Classification: Uncertain significance for Inborn genetic diseases. Last evaluated: 2024-12-01. Review status: criteria provided, single submitter. Criteria: Ambry Variant Classification Scheme 2023. Collection method: clinical testing. Allele origin: germline.
Comment: The p.E253G variant (also known as c.758A>G), located in coding exon 5 of the MECOM gene, results from an A to G substitution at nucleotide position 758. The glutamic acid at codon 253 is replaced by glycine, an amino acid with similar properties. This amino acid position is conserved. In addition, this alteration is predicted to be tolerated by in silico analysis. Based on the available evidence, the clinical significance of this variant remains unclear.

NM_004991.4(MECOM):c.758A>G (p.Glu253Gly)

Gene: MECOM (MDS1 and EVI1 complex locus; minus strand). Cytogenetic location: 3q26.2.
Variant type: single nucleotide variant.
Coding change: c.758A>G on transcript NM_004991.4 (MANE Select); coding-DNA position 758, A replaced by G.
Protein change: p.Glu253Gly; replaces glutamic acid 253 with glycine.
Molecular consequence: missense variant.
Genome position (GRCh38, 1-based): chr3:169,127,916, T>C on the plus strand (A>G on the coding strand, the complement: MECOM is on the minus strand). VCF-style: chr3-169127916-T-C. GRCh37 (hg19) VCF-style: chr3-168845704-T-C.
Other names: c.386A>G, p.Glu129Gly (NM_001105077.4); c.194A>G, p.Glu65Gly (NM_001105078.4, NM_001163999.2, NM_001164000.2 and 9 more transcripts); c.758A>G, p.Glu253Gly (NM_001366466.2, NM_001366473.2); short protein forms E253G, E129G, E65G.
Identifiers: ClinVar variation 3394358 (VCV003394358.1).